The following is an entry in ClinVar:

ClinVar aggregate classification (germline): Uncertain significance (1 of 4 stars; one submission).

Submission:

Labcorp Genetics (formerly Invitae), Labcorp
Classification: Uncertain significance. Last evaluated: 2022-10-24. Review status: criteria provided, single submitter. Criteria: Invitae Variant Classification Sherloc (09022015). Collection method: clinical testing. Allele origin: germline.
Comment: This sequence change replaces leucine, which is neutral and non-polar, with phenylalanine, which is neutral and non-polar, at codon 374 of the TTC19 protein (p.Leu374Phe). In summary, the available evidence is currently insufficient to determine the role of this variant in disease. Therefore, it has been classified as a Variant of Uncertain Significance. Algorithms developed to predict the effect of missense changes on protein structure and function (SIFT, PolyPhen-2, Align-GVGD) all suggest that this variant is likely to be tolerated. This variant has not been reported in the literature in individuals affected with TTC19-related conditions. This variant is not present in population databases (gnomAD no frequency).

NM_017775.4(TTC19):c.1122G>C (p.Leu374Phe)

Gene: TTC19 (tetratricopeptide repeat domain 19; plus strand). Cytogenetic location: 17p12.
Variant type: single nucleotide variant.
Coding change: c.1122G>C on transcript NM_017775.4 (MANE Select); coding-DNA position 1122, G replaced by C.
Protein change: p.Leu374Phe; replaces leucine 374 with phenylalanine.
Molecular consequence: missense variant.
Genome position (GRCh38, 1-based): chr17:16,027,501, G>C. VCF-style: chr17-16027501-G-C. GRCh37 (hg19) VCF-style: chr17-15930815-G-C.
Other names: c.801G>C, p.Leu267Phe (NM_001271420.2); short protein forms L267F, L374F.
Identifiers: ClinVar variation 1897506 (VCV001897506.5), dbSNP rs1371206635, ClinGen allele CA398379518.